The following is an entry in ClinVar:

ClinVar aggregate classification (germline): Uncertain significance (1 of 4 stars; one submission).

Conditions:
Ataxia-telangiectasia syndrome (AT). Also called: Ataxia-telangiectasia, complementation group D; AT, COMPLEMENTATION GROUP C; Ataxia-telangiectasia; Ataxia telangiectasia (A-T); LOUIS-BAR SYNDROME; Cerebello-oculocutaneous telangiectasia. Identifiers: Orphanet 100, MedGen C0004135, MONDO:0008840, OMIM 208900.

gnomAD v4.1: 1 of 1,612,834 alleles (0.000062%); highest among the groups gnomAD compares: Non-Finnish European, 0.000085%; no homozygotes.

Submission:

Labcorp Genetics (formerly Invitae), Labcorp
Classification: Uncertain significance for Ataxia-telangiectasia syndrome. Last evaluated: 2025-09-10. Review status: criteria provided, single submitter. Criteria: Invitae Variant Classification Sherloc (09022015). Collection method: clinical testing. Allele origin: germline.
Comment: This sequence change replaces glutamine, which is neutral and polar, with arginine, which is basic and polar, at codon 1579 of the ATM protein (p.Gln1579Arg). This variant is not present in population databases (gnomAD no frequency). This variant has not been reported in the literature in individuals affected with ATM-related conditions. Invitae Evidence Modeling of protein sequence and biophysical properties (such as structural, functional, and spatial information, amino acid conservation, physicochemical variation, residue mobility, and thermodynamic stability) indicates that this missense variant is not expected to disrupt ATM protein function with a negative predictive value of 95%. In summary, the available evidence is currently insufficient to determine the role of this variant in disease. Therefore, it has been classified as a Variant of Uncertain Significance.

NM_000051.4(ATM):c.4736A>G (p.Gln1579Arg)

Gene: ATM (ATM serine/threonine kinase; plus strand). Cytogenetic location: 11q22.3.
Variant type: single nucleotide variant.
Coding change: c.4736A>G on transcript NM_000051.4 (MANE Select); coding-DNA position 4736, A replaced by G.
Protein change: p.Gln1579Arg; replaces glutamine 1579 with arginine.
Molecular consequence: missense variant.
Genome position (GRCh38, 1-based): chr11:108,293,437, A>G. VCF-style: chr11-108293437-A-G. GRCh37 (hg19) VCF-style: chr11-108164164-A-G.
Other names: c.4736A>G, p.Gln1579Arg (NM_001351834.2); short protein forms Q1579R.
Identifiers: ClinVar variation 4747220 (VCV004747220.1).